The following is an entry in ClinVar:

ClinVar aggregate classification (germline): Likely benign (1 of 4 stars; one submission).

gnomAD v4.1: 20 of 1,567,120 alleles (0.0013%); highest among the groups gnomAD compares: African/African-American, 0.02%; no homozygotes.

Submission:

CeGaT Center for Human Genetics Tuebingen
Classification: Likely benign. Last evaluated: 2024-09-01. Review status: criteria provided, single submitter. Criteria: CeGaT Center For Human Genetics Tuebingen Variant Classification Criteria Version 2. Collection method: clinical testing. Allele origin: germline. Affected: yes. Observed: 1 variant allele.
Comment: TUBGCP2: BP4, BP7

NM_006659.4(TUBGCP2):c.1785G>A (p.Lys595=)

Gene: TUBGCP2 (tubulin gamma complex component 2; minus strand). Cytogenetic location: 10q26.3.
Variant type: single nucleotide variant.
Coding change: c.1785G>A on transcript NM_006659.4 (MANE Select); coding-DNA position 1785, G replaced by A.
Protein change: p.Lys595=; no amino-acid change (lysine 595 retained).
Molecular consequence: synonymous variant. On other transcripts: non-coding transcript variant (1).
Genome position (GRCh38, 1-based): chr10:133,285,566, C>T on the plus strand (G>A on the coding strand, the complement: TUBGCP2 is on the minus strand). VCF-style: chr10-133285566-C-T. GRCh37 (hg19) VCF-style: chr10-135099070-C-T.
Other names: c.1869G>A, p.Lys623= (NM_001256617.2); c.1395G>A, p.Lys465= (NM_001256618.2).
Identifiers: ClinVar variation 3389014 (VCV003389014.14).